The following is an entry in ClinVar:

ClinVar aggregate classification (germline): Likely benign. Review status: criteria provided, multiple submitters, no conflicts (2 of 4 stars). 2 submissions from 2 submitters: Likely benign (2). Last evaluated 2024-06-22.

Conditions:
Arrhythmogenic cardiomyopathy with wooly hair and keratoderma. Also called: PALMOPLANTAR KERATODERMA WITH LEFT VENTRICULAR CARDIOMYOPATHY AND WOOLLY HAIR; Carvajal syndrome; Dilated cardiomyopathy with woolly hair and keratoderma; Arrhythmogenic cardiomyopathy with woolly hair and keratoderma. Identifiers: Orphanet 65282, MedGen C1854063, MONDO:0011581, OMIM 605676.
Arrhythmogenic right ventricular dysplasia 8 (ARVD8). Also called: ARRHYTHMOGENIC RIGHT VENTRICULAR DYSPLASIA, FAMILIAL, 8; ARRHYTHMOGENIC RIGHT VENTRICULAR CARDIOMYOPATHY 8; Arrhythmogenic Right Ventricular Dysplasia/Cardiomyopathy 8. Identifiers: MedGen C1843896, MONDO:0011831, OMIM 607450.

Submissions (2):

Labcorp Genetics (formerly Invitae), Labcorp
Classification: Likely benign for Arrhythmogenic cardiomyopathy with wooly hair and keratoderma; Arrhythmogenic right ventricular dysplasia 8. Last evaluated: 2024-06-22. Review status: criteria provided, single submitter. Criteria: Invitae Variant Classification Sherloc (09022015). Collection method: clinical testing. Allele origin: germline.

GeneDx
Classification: Likely benign. Last evaluated: 2018-01-22. Review status: criteria provided, single submitter. Criteria: GeneDx Variant Classification (06012015). Collection method: clinical testing. Allele origin: germline. Affected: yes.
Comment: This variant is considered likely benign or benign based on one or more of the following criteria: it is a conservative change, it occurs at a poorly conserved position in the protein, it is predicted to be benign by multiple in silico algorithms, and/or has population frequency not consistent with disease.

NM_004415.4(DSP):c.8097G>A (p.Glu2699=)

Gene: DSP (desmoplakin; plus strand). Cytogenetic location: 6p24.3.
Variant type: single nucleotide variant.
Coding change: c.8097G>A on transcript NM_004415.4 (MANE Select); coding-DNA position 8097, G replaced by A.
Protein change: p.Glu2699=; no amino-acid change (glutamic acid 2699 retained).
Molecular consequence: synonymous variant.
Genome position (GRCh38, 1-based): chr6:7,585,359, G>A. VCF-style: chr6-7585359-G-A. GRCh37 (hg19) VCF-style: chr6-7585592-G-A.
Other names: c.6300G>A, p.Glu2100= (NM_001008844.3); c.6768G>A, p.Glu2256= (NM_001319034.2); c.8097G>A (LRG_423t1).
Identifiers: ClinVar variation 514883 (VCV000514883.3), dbSNP rs1478062594, ClinGen allele CA448717030.